The following is an entry in ClinVar:

ClinVar aggregate classification (germline): Uncertain significance. Review status: criteria provided, multiple submitters, no conflicts (2 of 4 stars). 2 submissions from 2 submitters: Uncertain significance (2). Last evaluated 2024-11-11.

Conditions:
Hereditary spastic paraplegia 73. Also called: Spastic paraplegia 73, autosomal dominant. Identifiers: Orphanet 444099, MedGen C5568981, MONDO:0014568, OMIM 616282.

Allele frequency attached by ClinVar (database versions not stated): gnomAD 0.00001.

Submissions (2):

Ambry Genetics
Classification: Uncertain significance. Last evaluated: 2024-11-11. Review status: criteria provided, single submitter. Criteria: Ambry Variant Classification Scheme 2023. Collection method: clinical testing. Allele origin: germline.

Labcorp Genetics (formerly Invitae), Labcorp
Classification: Uncertain significance for Hereditary spastic paraplegia 73. Last evaluated: 2022-10-27. Review status: criteria provided, single submitter. Criteria: Invitae Variant Classification Sherloc (09022015). Collection method: clinical testing. Allele origin: germline.
Comment: Advanced modeling of protein sequence and biophysical properties (such as structural, functional, and spatial information, amino acid conservation, physicochemical variation, residue mobility, and thermodynamic stability) performed at Invitae indicates that this missense variant is not expected to disrupt CPT1C protein function. This sequence change replaces valine, which is neutral and non-polar, with phenylalanine, which is neutral and non-polar, at codon 308 of the CPT1C protein (p.Val308Phe). This variant is present in population databases (rs756750497, gnomAD 0.01%). This variant has not been reported in the literature in individuals affected with CPT1C-related conditions. In summary, the available evidence is currently insufficient to determine the role of this variant in disease. Therefore, it has been classified as a Variant of Uncertain Significance.

NM_001199753.2(CPT1C):c.955G>T (p.Val319Phe)

Gene: CPT1C (carnitine palmitoyltransferase 1C; plus strand). Cytogenetic location: 19q13.33.
Variant type: single nucleotide variant.
Coding change: c.955G>T on transcript NM_001199753.2 (MANE Select); coding-DNA position 955, G replaced by T.
Protein change: p.Val319Phe; replaces valine 319 with phenylalanine.
Molecular consequence: missense variant. On other transcripts: non-coding transcript variant (1).
Genome position (GRCh38, 1-based): chr19:49,705,289, G>T. VCF-style: chr19-49705289-G-T. GRCh37 (hg19) VCF-style: chr19-50208546-G-T.
Other names: c.1021G>T, p.Val341Phe (NM_001378482.1); c.955G>T, p.Val319Phe (NM_001378483.1, NM_001378484.1, NM_001378486.1 and 3 more transcripts); c.922G>T, p.Val308Phe (NM_001378485.1, NM_001378487.1, NM_001136052.3); c.955G>T (NM_001199752.1); short protein forms V319F, V341F, V308F.
Identifiers: ClinVar variation 2975356 (VCV002975356.4), dbSNP rs756750497, ClinGen allele CA9582020.